The following is an entry in ClinVar:

NM_005006.7(NDUFS1):c.721C>T (p.Arg241Trp)

Gene: NDUFS1 (NADH:ubiquinone oxidoreductase core subunit S1; minus strand). Cytogenetic location: 2q33.3.
Variant type: single nucleotide variant.
Coding change: c.721C>T on transcript NM_005006.7 (MANE Select); coding-DNA position 721, C replaced by T.
Protein change: p.Arg241Trp; replaces arginine 241 with tryptophan.
Molecular consequence: missense variant.
Genome position (GRCh38, 1-based): chr2:206,146,919, G>A on the plus strand (C>T on the coding strand, the complement: NDUFS1 is on the minus strand). VCF-style: chr2-206146919-G-A. GRCh37 (hg19) VCF-style: chr2-207011643-G-A.
Other names: c.613C>T, p.Arg205Trp (NM_001199981.2); c.388C>T, p.Arg130Trp (NM_001199982.2); c.550C>T, p.Arg184Trp (NM_001199983.2); c.763C>T, p.Arg255Trp (NM_001199984.2); short protein forms R241W, R184W, R205W, R255W, R130W.
Identifiers: ClinVar variation 14232 (VCV000014232.6), dbSNP rs199422225, ClinGen allele CA123815.
Genomic context (GRCh38, chr2:206,146,919, plus strand): 5'-TGAATTAAGGACAAAAAAACAAATTGTCATAAAATAAAAGATACCTTGTTTCCCAAGGCC[G>A]GGCAGTAAAGGCATAGGGCTTAGAGGTTAGGGCACCTACAGGGCAGATATCAATGATATT-3'
Protein context (NP_004997.4, residues 231-251): LTSKPYAFTA[Arg241Trp]PWETRKTESI

ClinVar aggregate classification (germline): Conflicting classifications of pathogenicity. Review status: criteria provided, conflicting classifications (1 of 4 stars). 3 submissions from 3 submitters: Likely pathogenic (1); Uncertain significance (1). 1 of the submissions does not count toward it. Last evaluated 2025-02-24.

Conditions:
Mitochondrial complex I deficiency, nuclear type 5. Also called: Mitochondrial complex 1 deficiency, nuclear type 5. Identifiers: MedGen C4748754, MONDO:0032610, OMIM 618226.

Allele frequency attached by ClinVar (database versions not stated): gnomAD 0.00001; TOPMed 0.00001.

Submissions (3):

Labcorp Genetics (formerly Invitae), Labcorp
Classification: Likely pathogenic. Last evaluated: 2025-02-24. Review status: criteria provided, single submitter. Criteria: Invitae Variant Classification Sherloc (09022015). Collection method: clinical testing. Allele origin: germline.
Comment: This sequence change replaces arginine, which is basic and polar, with tryptophan, which is neutral and slightly polar, at codon 241 of the NDUFS1 protein (p.Arg241Trp). This variant is not present in population databases (gnomAD no frequency). This missense change has been observed in individual(s) with mitochondrial complex I deficiency (PMID: 11349233). In at least one individual the data is consistent with being in trans (on the opposite chromosome) from a pathogenic variant. ClinVar contains an entry for this variant (Variation ID: 14232). Invitae Evidence Modeling of protein sequence and biophysical properties (such as structural, functional, and spatial information, amino acid conservation, physicochemical variation, residue mobility, and thermodynamic stability) indicates that this missense variant is expected to disrupt NDUFS1 protein function with a positive predictive value of 95%. In summary, the currently available evidence indicates that the variant is pathogenic, but additional data are needed to prove that conclusively. Therefore, this variant has been classified as Likely Pathogenic.

Baylor Genetics
Classification: Uncertain significance for Mitochondrial complex I deficiency, nuclear type 5. Last evaluated: 2020-02-06. Review status: criteria provided, single submitter. Criteria: ACMG Guidelines, 2015. Collection method: clinical testing. Allele origin: unknown. Affected: yes.
Comment: This variant was determined to be of uncertain significance according to ACMG Guidelines, 2015 [PMID:25741868].

OMIM
Classification: Pathogenic for MITOCHONDRIAL COMPLEX I DEFICIENCY, NUCLEAR TYPE 5. Last evaluated: 2001-06-01. Review status: no assertion criteria provided. Collection method: literature only. Allele origin: germline. Not counted in ClinVar's aggregate classification.

Literature cited by the submitters: PubMed 11349233 (cited by Labcorp Genetics (formerly Invitae), Labcorp and OMIM).